The following is an entry in ClinVar:

ClinVar aggregate classification (germline): Likely pathogenic (1 of 4 stars; one submission).

Conditions:
Orofaciodigital syndrome type 14. Also called: Orofaciodigital syndrome xiv. Identifiers: Orphanet 434179, MedGen C4706604, MONDO:0014413, OMIM 615948.

Submission:

Women's Health and Genetics/Laboratory Corporation of America, LabCorp
Classification: Likely pathogenic for Orofaciodigital syndrome type 14. Last evaluated: 2023-04-27. Review status: criteria provided, single submitter. Criteria: LabCorp Variant Classification Summary - May 2015. Collection method: clinical testing. Allele origin: germline.
Comment: Variant summary: C2CD3 c.3345-1G>A is located in a canonical splice-site and is predicted to affect mRNA splicing resulting in a significantly altered protein due to either exon skipping, shortening, or inclusion of intronic material. Several computational tools predict a significant impact on normal splicing: Four predict the variant abolishes a canonical 3' acceptor site. However, these predictions have yet to be confirmed by functional studies. The variant was absent in 247524 control chromosomes (gnomAD). To our knowledge, no occurrence of c.3345-1G>A in individuals affected with Orofaciodigital Syndrome Type 14 and no experimental evidence demonstrating its impact on protein function have been reported. No clinical diagnostic laboratories have submitted clinical-significance assessments for this variant to ClinVar after 2014. Based on the evidence outlined above, the variant was classified as likely pathogenic.

NM_001286577.2(C2CD3):c.3345-1G>A

Gene: C2CD3 (C2 domain containing 3 centriole elongation regulator; minus strand). Cytogenetic location: 11q13.4.
Variant type: single nucleotide variant.
Coding change: c.3345-1G>A on transcript NM_001286577.2 (MANE Select); the canonical splice acceptor site of the intron before coding-DNA position 3345, G replaced by A.
Molecular consequence: splice acceptor variant.
Genome position (GRCh38, 1-based): chr11:74,092,589, C>T on the plus strand (G>A on the coding strand, the complement: C2CD3 is on the minus strand). VCF-style: chr11-74092589-C-T. GRCh37 (hg19) VCF-style: chr11-73803634-C-T.
Other names: c.3345-1G>A (NM_015531.6).
Identifiers: ClinVar variation 2504061 (VCV002504061.1), dbSNP rs2496410381, ClinGen allele CA381825833.